The following is an entry in ClinVar:

NM_000138.5(FBN1):c.5959G>C (p.Gly1987Arg)

Gene: FBN1 (fibrillin 1; minus strand). Cytogenetic location: 15q21.1.
Variant type: single nucleotide variant.
Coding change: c.5959G>C on transcript NM_000138.5 (MANE Select); coding-DNA position 5959, G replaced by C.
Protein change: p.Gly1987Arg; replaces glycine 1987 with arginine.
Molecular consequence: missense variant.
Genome position (GRCh38, 1-based): chr15:48,444,619, C>G on the plus strand (G>C on the coding strand, the complement: FBN1 is on the minus strand). VCF-style: chr15-48444619-C-G. GRCh37 (hg19) VCF-style: chr15-48736816-C-G.
Other names: short protein forms G1987R.
Identifiers: ClinVar variation 179119 (VCV000179119.10), dbSNP rs727504642, ClinGen allele CA016185.

ClinVar aggregate classification (germline): Conflicting classifications of pathogenicity. Review status: criteria provided, conflicting classifications (1 of 4 stars). 4 submissions from 4 submitters: Pathogenic (1); Likely pathogenic (2); Uncertain significance (1). Last evaluated 2023-06-26.

Conditions:
Familial thoracic aortic aneurysm and aortic dissection (TAAD). Also called: Thoracic aortic aneurysms and dissections. Identifiers: Orphanet 91387, MedGen C4707243, MONDO:0019625.
Marfan syndrome (MFS). Also called: Marfan syndrome, classic; FBN1-Related Marfan Syndrome; Marfan syndrome type 1; Marfan's syndrome; MARFAN SYNDROME, TYPE I. Identifiers: Orphanet 284963, Orphanet 558, MedGen C0024796, MONDO:0007947, OMIM 154700.

Submissions (4):

All of Us Research Program, National Institutes of Health
Classification: Likely pathogenic for Marfan syndrome. Last evaluated: 2023-06-26. Review status: criteria provided, single submitter. Criteria: ACMG Guidelines, 2015. Collection method: clinical testing. Allele origin: germline. Inheritance: Autosomal dominant inheritance. Observed: 1 variant allele, 1 heterozygote.
Comment: This missense variant replaces glycine with arginine at codon 1987 in the calcium-binding EGF-like motif 34 of the FBN1 protein. Computational prediction suggests that this variant may have deleterious impact on protein structure and function (internally defined REVEL score threshold >= 0.7, PMID: 27666373). Although functional studies have not been reported for this variant, it changes a highly conserved glycine residue between Cys2-Cys3 in a cbEGF-like domain and is expected to disrupt FBN1 protein function (PMID: 19802897, 31227806). This variant has been reported in at least two individuals affected with Marfan syndrome (PMID: 11748851, 17657824; communication with an external laboratory, ClinVar SCV000738905.3). This variant has not been identified in the general population by the Genome Aggregation Database (gnomAD). Based on the available evidence, this variant is classified as Likely Pathogenic.

This study involves interpretation of variants in research participants for the purpose of population health screening. Participant phenotype was not available at the time of variant classification. Additional details can be found in publication PMID: 35346344, PMCID: PMC8962531

Laboratory for Molecular Medicine, Mass General Brigham Personalized Medicine
Classification: Uncertain significance. Last evaluated: 2021-09-02. Review status: criteria provided, single submitter. Criteria: ACMG Guidelines, 2015. Collection method: clinical testing. Allele origin: germline.
Comment: The p.Gly1987Arg variant in FBN1 has been identified in 2 individuals with clinical features of Marfan Syndrome and segregated with 1 family member with dilated aortic root and aneurysm (Comeglio 2001 PMID: 11748851, LMM data). This variant has also been reported by other clinical laboratories in ClinVar (Variation ID 179119) and was absent from large population studies. Computational prediction tools and conservation analysis suggest that the p.Gly1987Arg variant may impact the protein, though this information is not predictive enough to determine pathogenicity. In summary, the clinical significance of the p.Gly1987Arg variant is uncertain. ACMG/AMP Criteria applied: PS4_Supporting, PP3, PM2_Supporting.

Ambry Genetics
Classification: Likely pathogenic for Familial thoracic aortic aneurysm and aortic dissection. Last evaluated: 2017-06-07. Review status: criteria provided, single submitter. Criteria: Ambry Variant Classification Scheme 2023. Collection method: clinical testing. Allele origin: germline.
Comment: The p.G1987R variant (also known as c.5959G>C), located in coding exon 48 of the FBN1 gene, results from a G to C substitution at nucleotide position 5959. The glycine at codon 1987 is replaced by arginine, an amino acid with dissimilar properties, and is located in the cbEGF-like #30 domain. This alteration has been reported in an individual with Marfan syndrome (Comeglio P et al. Hum. Mutat., 2001 Dec;18:546-7). Additionally, based on internal structural assessment, this alteration results in the structural distortion of the cbEGF-like #30 domain. This amino acid position is highly conserved in available vertebrate species. In addition, this alteration is predicted to be deleterious by in silico analysis. Based on the majority of available evidence to date, this variant is likely to be pathogenic.

Clinical Genetics and Genomics, Karolinska University Hospital
Classification: Pathogenic. Last evaluated: 2014-10-23. Review status: criteria provided, single submitter. Criteria: ACMG Guidelines, 2015. Collection method: clinical testing. Allele origin: germline. Affected: yes. Observed: 1 variant allele.

Literature cited by the submitters: PubMed 11748851 (cited by 3 submitters); PubMed 17657824 (cited by All of Us Research Program, National Institutes of Health); PubMed 19802897 (cited by All of Us Research Program, National Institutes of Health); PubMed 31227806 (cited by All of Us Research Program, National Institutes of Health).